The following is an entry in ClinVar:

NM_020207.7(ERCC6L2):c.3177C>G (p.Ser1059Arg)

Gene: ERCC6L2 (ERCC excision repair 6 like 2; plus strand). Cytogenetic location: 9q22.32.
Variant type: single nucleotide variant.
Coding change: c.3177C>G on transcript NM_020207.7 (MANE Select); coding-DNA position 3177, C replaced by G.
Protein change: p.Ser1059Arg; replaces serine 1059 with arginine.
Molecular consequence: missense variant. On other transcripts: non-coding transcript variant (1).
Genome position (GRCh38, 1-based): chr9:95,972,928, C>G. VCF-style: chr9-95972928-C-G. GRCh37 (hg19) VCF-style: chr9-98735210-C-G.
Other names: c.3177C>G, p.Ser1059Arg (NM_001375291.1, NM_001375292.1, NM_001375293.1 and 1 more transcripts); short protein forms S1059R.
Identifiers: ClinVar variation 3613161 (VCV003613161.2).
Genomic context (GRCh38, chr9:95,972,928, plus strand): 5'-TGATTATTCATCCTCAGATGAGAGTTTATCCGTCAGCCACTTCAGTTTCTCTAAACAGAG[C>G]CACAGACCAAGAACTATAAGAGACAGAACTAGTTTTTCTTCAAAATTGCCTAGCCATAAT-3'
Protein context (NP_064592.3, residues 1049-1069): SVSHFSFSKQ[Ser1059Arg]HRPRTIRDRT

ClinVar aggregate classification (germline): Uncertain significance (1 of 4 stars; one submission).

gnomAD v4.1: 1 of 1,306,920 alleles (0.000077%); highest among the groups gnomAD compares: Non-Finnish European, 0.0001%; no homozygotes.

Submission:

Labcorp Genetics (formerly Invitae), Labcorp
Classification: Uncertain significance. Last evaluated: 2024-12-03. Review status: criteria provided, single submitter. Criteria: Invitae Variant Classification Sherloc (09022015). Collection method: clinical testing. Allele origin: germline.
Comment: This sequence change replaces serine, which is neutral and polar, with arginine, which is basic and polar, at codon 1070 of the ERCC6L2 protein (p.Ser1070Arg). This variant is not present in population databases (gnomAD no frequency). This variant has not been reported in the literature in individuals affected with ERCC6L2-related conditions. Experimental studies and prediction algorithms are not available or were not evaluated, and the functional significance of this variant is currently unknown. In summary, the available evidence is currently insufficient to determine the role of this variant in disease. Therefore, it has been classified as a Variant of Uncertain Significance.